The following is an entry in ClinVar:

ClinVar aggregate classification (germline): Uncertain significance (1 of 4 stars; one submission).

Conditions:
Progressive sclerosing poliodystrophy (MTDPS4A). Also called: NEURONAL DEGENERATION OF CHILDHOOD WITH LIVER DISEASE, PROGRESSIVE; ALPERS PROGRESSIVE INFANTILE POLIODYSTROPHY; Mitochondrial DNA Depletion Syndrome 4A; Alpers-Huttenlocher Syndrome (AHS); Alpers Syndrome; ALPERS DIFFUSE DEGENERATION OF CEREBRAL GRAY MATTER WITH HEPATIC CIRRHOSIS. Identifiers: Orphanet 726, MedGen C0205710, MONDO:0008758, OMIM 203700.

Allele frequency attached by ClinVar (database versions not stated): gnomAD 0.00001 and 0.00002; gnomAD exomes 0.00001; TOPMed 0.00002; 1000 Genomes Project 30x 0.00016; 1000 Genomes Project 0.00020.
gnomAD v4.1: 8 of 1,543,584 alleles (0.00052%); highest among the groups gnomAD compares: East Asian, 0.015%; no homozygotes.

Submission:

Labcorp Genetics (formerly Invitae), Labcorp
Classification: Uncertain significance for Progressive sclerosing poliodystrophy. Last evaluated: 2025-04-14. Review status: criteria provided, single submitter. Criteria: Invitae Variant Classification Sherloc (09022015). Collection method: clinical testing. Allele origin: germline.
Comment: This sequence change replaces proline, which is neutral and non-polar, with serine, which is neutral and polar, at codon 22 of the POLG protein (p.Pro22Ser). This variant is present in population databases (rs568058975, gnomAD 0.01%). This variant has not been reported in the literature in individuals affected with POLG-related conditions. ClinVar contains an entry for this variant (Variation ID: 944384). Invitae Evidence Modeling of protein sequence and biophysical properties (such as structural, functional, and spatial information, amino acid conservation, physicochemical variation, residue mobility, and thermodynamic stability) indicates that this missense variant is not expected to disrupt POLG protein function with a negative predictive value of 95%. In summary, the available evidence is currently insufficient to determine the role of this variant in disease. Therefore, it has been classified as a Variant of Uncertain Significance.

NM_002693.3(POLG):c.64C>T (p.Pro22Ser)

Genes: POLG (DNA polymerase gamma, catalytic subunit; minus strand), POLGARF (POLG alternative reading frame; minus strand). Cytogenetic location: 15q26.1.
Variant type: single nucleotide variant.
Coding change: c.64C>T on transcript NM_002693.3 (MANE Select); coding-DNA position 64, C replaced by T.
Protein change: p.Pro22Ser; replaces proline 22 with serine.
Molecular consequence: missense variant.
Genome position (GRCh38, 1-based): chr15:89,333,691, G>A on the plus strand (C>T on the coding strand, the complement: POLG is on the minus strand). VCF-style: chr15-89333691-G-A. GRCh37 (hg19) VCF-style: chr15-89876922-G-A.
Other names: c.64C>T, p.Pro22Ser (NM_001126131.2); short protein forms P22S.
Identifiers: ClinVar variation 944384 (VCV000944384.7), dbSNP rs568058975, ClinGen allele CA274566771.